The following is an entry in ClinVar:

NM_002427.4(MMP13):c.427A>G (p.Lys143Glu)

Gene: MMP13 (matrix metallopeptidase 13; minus strand). Cytogenetic location: 11q22.2.
Variant type: single nucleotide variant.
Coding change: c.427A>G on transcript NM_002427.4 (MANE Select); coding-DNA position 427, A replaced by G.
Protein change: p.Lys143Glu; replaces lysine 143 with glutamic acid.
Molecular consequence: missense variant.
Genome position (GRCh38, 1-based): chr11:102,954,542, T>C on the plus strand (A>G on the coding strand, the complement: MMP13 is on the minus strand). VCF-style: chr11-102954542-T-C. GRCh37 (hg19) VCF-style: chr11-102825271-T-C.
Other names: c.427A>G (NM_002427.3); short protein forms K143E.
Identifiers: ClinVar variation 1481281 (VCV001481281.9), dbSNP rs762416563, ClinGen allele CA6251989.

ClinVar aggregate classification (germline): Uncertain significance. Review status: criteria provided, multiple submitters, no conflicts (2 of 4 stars). 2 submissions from 2 submitters: Uncertain significance (2). Last evaluated 2025-09-01.

Allele frequency attached by ClinVar (database versions not stated): gnomAD 0.00001; gnomAD exomes 0.00001 and 0.00002; TOPMed 0.00001; ExAC 0.00005.
gnomAD v4.1: 7 of 1,613,578 alleles (0.00043%); highest among the groups gnomAD compares: Admixed American, 0.012%; no homozygotes.

Submissions (2):

Ambry Genetics
Classification: Uncertain significance. Last evaluated: 2025-09-01. Review status: criteria provided, single submitter. Criteria: Ambry Variant Classification Scheme 2023. Collection method: clinical testing. Allele origin: germline.

Labcorp Genetics (formerly Invitae), Labcorp
Classification: Uncertain significance. Last evaluated: 2022-05-04. Review status: criteria provided, single submitter. Criteria: Invitae Variant Classification Sherloc (09022015). Collection method: clinical testing. Allele origin: germline.
Comment: In summary, the available evidence is currently insufficient to determine the role of this variant in disease. Therefore, it has been classified as a Variant of Uncertain Significance. This sequence change replaces lysine, which is basic and polar, with glutamic acid, which is acidic and polar, at codon 143 of the MMP13 protein (p.Lys143Glu). This variant is present in population databases (rs762416563, gnomAD 0.02%). This variant has not been reported in the literature in individuals affected with MMP13-related conditions. Algorithms developed to predict the effect of missense changes on protein structure and function are either unavailable or do not agree on the potential impact of this missense change (SIFT: "Deleterious"; PolyPhen-2: "Possibly Damaging"; Align-GVGD: "Class C0").